The following is an entry in ClinVar:

ClinVar aggregate classification (germline): Uncertain significance. Review status: criteria provided, multiple submitters, no conflicts (2 of 4 stars). 6 submissions from 6 submitters: Uncertain significance (6). Last evaluated 2025-04-09.

Conditions:
Arrhythmogenic right ventricular dysplasia 5. Also called: Arrhythmogenic Right Ventricular Dysplasia/Cardiomyopathy 5; ARRHYTHMOGENIC RIGHT VENTRICULAR DYSPLASIA, FAMILIAL, 5. Identifiers: MedGen C1858379, MONDO:0011459, OMIM 604400.
Cardiovascular phenotype. Identifiers: MedGen CN230736.
Cardiomyopathy (CMYO). Also called: Cardiomyopathies. Identifiers: Orphanet 167848, MedGen C0878544, MONDO:0004994, HP:0001638. Inheritance: Various modes of inheritance.

Allele frequency attached by ClinVar (database versions not stated): ExAC 0.00001; gnomAD exomes 0.00001; TOPMed 0.00002; gnomAD 0.00003; ESP Exome Variant Server 0.00008.
gnomAD v4.1: 44 of 1,613,904 alleles (0.0027%); highest among the groups gnomAD compares: Non-Finnish European, 0.0036%; no homozygotes.

Submissions (6):

Molecular Diagnostic Laboratory for Inherited Cardiovascular Disease, Montreal Heart Institute
Classification: Uncertain significance for Cardiovascular phenotype. Last evaluated: 2025-04-09. Review status: criteria provided, single submitter. Criteria: ACMG Guidelines, 2015. Collection method: clinical testing. Allele origin: germline. Affected: yes.

Ambry Genetics
Classification: Uncertain significance for Cardiovascular phenotype. Last evaluated: 2025-03-02. Review status: criteria provided, single submitter. Criteria: Ambry Variant Classification Scheme 2023. Collection method: clinical testing. Allele origin: germline.
Comment: The p.T327R variant (also known as c.980C>G), located in coding exon 11 of the TMEM43 gene, results from a C to G substitution at nucleotide position 980. The threonine at codon 327 is replaced by arginine, an amino acid with similar properties. This amino acid position is well conserved in available vertebrate species. In addition, the in silico prediction for this alteration is inconclusive. Since supporting evidence is limited at this time, the clinical significance of this alteration remains unclear.

All of Us Research Program, National Institutes of Health
Classification: Uncertain significance for Arrhythmogenic right ventricular dysplasia 5. Last evaluated: 2024-06-11. Review status: criteria provided, single submitter. Criteria: ACMG Guidelines, 2015. Collection method: clinical testing. Allele origin: germline. Inheritance: Autosomal dominant inheritance. Observed: 6 variant alleles, 6 heterozygotes.
Comment: This missense variant replaces threonine with arginine at codon 327 of the TMEM43 protein. Computational prediction suggests that this variant may not impact protein structure and function (internally defined REVEL score threshold <= 0.5, PMID: 27666373). To our knowledge, functional studies have not been reported for this variant. This variant has not been reported in individuals affected with cardiovascular disorders in the literature. This variant has been identified in 3/251440 chromosomes in the general population by the Genome Aggregation Database (gnomAD). The available evidence is insufficient to determine the role of this variant in disease conclusively. Therefore, this variant is classified as a Variant of Uncertain Significance.

This study involves interpretation of variants in research participants for the purpose of population health screening. Participant phenotype was not available at the time of variant classification. Additional details can be found in publication PMID: 35346344, PMCID: PMC8962531

Labcorp Genetics (formerly Invitae), Labcorp
Classification: Uncertain significance for Arrhythmogenic right ventricular dysplasia 5. Last evaluated: 2024-03-16. Review status: criteria provided, single submitter. Criteria: Invitae Variant Classification Sherloc (09022015). Collection method: clinical testing. Allele origin: germline.
Comment: This sequence change replaces threonine, which is neutral and polar, with arginine, which is basic and polar, at codon 327 of the TMEM43 protein (p.Thr327Arg). This variant is present in population databases (rs368111230, gnomAD 0.003%). This variant has not been reported in the literature in individuals affected with TMEM43-related conditions. ClinVar contains an entry for this variant (Variation ID: 241470). Advanced modeling of protein sequence and biophysical properties (such as structural, functional, and spatial information, amino acid conservation, physicochemical variation, residue mobility, and thermodynamic stability) performed at Invitae indicates that this missense variant is not expected to disrupt TMEM43 protein function with a negative predictive value of 80%. In summary, the available evidence is currently insufficient to determine the role of this variant in disease. Therefore, it has been classified as a Variant of Uncertain Significance.

Color Diagnostics, LLC DBA Color Health
Classification: Uncertain significance for Cardiomyopathy. Last evaluated: 2024-03-06. Review status: criteria provided, single submitter. Criteria: ACMG Guidelines, 2015. Collection method: clinical testing. Allele origin: germline.
Comment: This missense variant replaces threonine with arginine at codon 327 of the TMEM43 protein. Computational prediction suggests that this variant may not impact protein structure and function (internally defined REVEL score threshold <= 0.5, PMID: 27666373). To our knowledge, functional studies have not been reported for this variant. This variant has not been reported in individuals affected with cardiovascular disorders in the literature. This variant has been identified in 3/251440 chromosomes in the general population by the Genome Aggregation Database (gnomAD). The available evidence is insufficient to determine the role of this variant in disease conclusively. Therefore, this variant is classified as a Variant of Uncertain Significance.

GeneDx
Classification: Uncertain significance. Last evaluated: 2019-09-18. Review status: criteria provided, single submitter. Criteria: GeneDx Variant Classification Process June 2021. Collection method: clinical testing. Allele origin: germline. Affected: yes.
Comment: Not observed at a significant frequency in large population cohorts (Lek et al., 2016); In silico analysis, which includes protein predictors and evolutionary conservation, supports a deleterious effect; Has not been previously published as pathogenic or benign to our knowledge

NM_024334.3(TMEM43):c.980C>G (p.Thr327Arg)

Gene: TMEM43 (transmembrane protein 43; plus strand). Cytogenetic location: 3p25.1.
Variant type: single nucleotide variant.
Coding change: c.980C>G on transcript NM_024334.3 (MANE Select); coding-DNA position 980, C replaced by G.
Protein change: p.Thr327Arg; replaces threonine 327 with arginine.
Molecular consequence: missense variant.
Genome position (GRCh38, 1-based): chr3:14,139,277, C>G. VCF-style: chr3-14139277-C-G. GRCh37 (hg19) VCF-style: chr3-14180777-C-G.
Other names: short protein forms T327R.
Identifiers: ClinVar variation 241470 (VCV000241470.23), dbSNP rs368111230, ClinGen allele CA056347.
Genomic context (GRCh38, chr3:14,139,277, plus strand): 5'-AGACCTGGGGCCTGCGGGCAGCTGGCTGGATGGCCATGTTCATGGGCCTCAACCTTATGA[C>G]ACGGATCCTCTACACCTTGGGTAGGTGTTGGGGTGGGTCACTGCCCTCCCTCCTGCACCC-3'
Protein context (NP_077310.1, residues 317-337): MAMFMGLNLM[Thr327Arg]RILYTLVDWF